The following is an entry in ClinVar:

ClinVar aggregate classification (germline): Likely pathogenic. Review status: criteria provided, multiple submitters, no conflicts (2 of 4 stars). 2 submissions from 2 submitters: Likely pathogenic (2). Last evaluated 2024-03-01.

Conditions:
Telangiectasia, hereditary hemorrhagic, type 2 (HHT2). Also called: ACVRL1-Related Hereditary Hemorrhagic Telangiectasia; Telangiectasia, hereditary hemorrhagic, type II. Identifiers: Orphanet 774, MedGen C1838163, MONDO:0010880, OMIM 600376. Disease mechanism: loss of function.
ACVRL1-related disorder. Also called: ACVRL1-related condition; ACVRL1-related disorders.

gnomAD v4.1: 1 of 1,614,200 alleles (0.000062%); no homozygotes.

Submissions (2):

Labcorp Genetics (formerly Invitae), Labcorp
Classification: Likely pathogenic for Telangiectasia, hereditary hemorrhagic, type 2. Last evaluated: 2024-03-01. Review status: criteria provided, single submitter. Criteria: Invitae Variant Classification Sherloc (09022015). Collection method: clinical testing. Allele origin: germline.
Comment: This sequence change replaces glycine, which is neutral and non-polar, with valine, which is neutral and non-polar, at codon 211 of the ACVRL1 protein (p.Gly211Val). This variant is not present in population databases (gnomAD no frequency). This missense change has been observed in individual(s) with hereditary hemorrhagic telangiectasia (Invitae). Advanced modeling of protein sequence and biophysical properties (such as structural, functional, and spatial information, amino acid conservation, physicochemical variation, residue mobility, and thermodynamic stability) performed at Invitae indicates that this missense variant is expected to disrupt ACVRL1 protein function with a positive predictive value of 95%. This variant disrupts the p.Gly211 amino acid residue in ACVRL1. Other variant(s) that disrupt this residue have been determined to be pathogenic (PMID: 25970827; Invitae). This suggests that this residue is clinically significant, and that variants that disrupt this residue are likely to be disease-causing. In summary, the currently available evidence indicates that the variant is pathogenic, but additional data are needed to prove that conclusively. Therefore, this variant has been classified as Likely Pathogenic.

Blueprint Genetics
Classification: Likely pathogenic for ACVRL1-related disorders. Last evaluated: 2020-04-15. Review status: criteria provided, single submitter. Criteria: ACMG Guidelines, 2015. Collection method: clinical testing. Allele origin: germline. Affected: yes. Observed: 2 variant alleles.

Literature cited by the submitters: PubMed 25970827 (cited by Labcorp Genetics (formerly Invitae), Labcorp).

NM_000020.3(ACVRL1):c.632G>T (p.Gly211Val)

Gene: ACVRL1 (activin A receptor like type 1; plus strand). Cytogenetic location: 12q13.13.
Variant type: single nucleotide variant.
Coding change: c.632G>T on transcript NM_000020.3 (MANE Select); coding-DNA position 632, G replaced by T.
Protein change: p.Gly211Val; replaces glycine 211 with valine.
Molecular consequence: missense variant.
Genome position (GRCh38, 1-based): chr12:51,914,445, G>T. VCF-style: chr12-51914445-G-T. GRCh37 (hg19) VCF-style: chr12-52308229-G-T.
Other names: c.632G>T, p.Gly211Val (NM_001077401.2, NM_001406487.1, NM_001406488.1 and 1 more transcripts); c.320G>T, p.Gly107Val (NM_001406490.1, NM_001406491.1, NM_001406492.1 and 2 more transcripts); c.68G>T, p.Gly23Val (NM_001406495.1); short protein forms G211V, G107V, G23V.
Identifiers: ClinVar variation 3635222 (VCV003635222.3).